The following is an entry in ClinVar:

NM_014324.6(AMACR):c.1025G>C (p.Arg342Thr)

Genes: AMACR (alpha-methylacyl-CoA racemase; minus strand), C1QTNF3-AMACR (C1QTNF3-AMACR readthrough (NMD candidate); minus strand). Cytogenetic location: 5p13.2.
Variant type: single nucleotide variant.
Coding change: c.1025G>C on transcript NM_014324.6 (MANE Select); coding-DNA position 1025, G replaced by C.
Protein change: p.Arg342Thr; replaces arginine 342 with threonine.
Molecular consequence: missense variant. On other transcripts: non-coding transcript variant (1), 3 prime UTR variant (1).
Genome position (GRCh38, 1-based): chr5:33,989,217, C>G on the plus strand (G>C on the coding strand, the complement: AMACR is on the minus strand). VCF-style: chr5-33989217-C-G. GRCh37 (hg19) VCF-style: chr5-33989322-C-G.
Other names: c.1025G>C, p.Arg342Thr (NM_001167595.2); c.*267G>C (NM_203382.3); short protein forms R342T.
Identifiers: ClinVar variation 2217157 (VCV002217157.3), dbSNP rs749703699, ClinGen allele CA3225969.
Genomic context (GRCh38, chr5:33,989,217, plus strand): 5'-TCGCGGCTGAATCCAAATTCTTCAAGTATCTCCTCAGTGTGTTCTCCTATGAAAGGATCC[C>G]TTTTGAAAGAAGGGATGGCTGGGGTGTTTAACAGCAGAGGTGCAGGGCGGGGGCTCACGT-3'
Protein context (NP_055139.4, residues 332-352): LNTPAIPSFK[Arg342Thr]DPFIGEHTEE

ClinVar aggregate classification (germline): Uncertain significance. Review status: criteria provided, multiple submitters, no conflicts (2 of 4 stars). 2 submissions from 2 submitters: Uncertain significance (2). Last evaluated 2022-04-08.

Conditions:
Inborn genetic diseases. Identifiers: MedGen C0950123, MeSH D030342.

Allele frequency attached by ClinVar (database versions not stated): gnomAD exomes below 0.00001; ExAC 0.00002.
gnomAD v4.1: 4 of 1,614,146 alleles (0.00025%); highest among the groups gnomAD compares: Non-Finnish European, 0.00034%; no homozygotes.

Submissions (2):

Blueprint Genetics
Classification: Uncertain significance. Last evaluated: 2022-04-08. Review status: criteria provided, single submitter. Criteria: ACMG Guidelines, 2015. Collection method: clinical testing. Allele origin: germline.

Ambry Genetics
Classification: Uncertain significance for Inborn genetic diseases. Last evaluated: 2021-01-06. Review status: criteria provided, single submitter. Criteria: Ambry Variant Classification Scheme 2023. Collection method: clinical testing. Allele origin: germline.
Comment: The c.1025G>C (p.R342T) alteration is located in exon 5 (coding exon 5) of the AMACR gene. This alteration results from a G to C substitution at nucleotide position 1025, causing the arginine (R) at amino acid position 342 to be replaced by a threonine (T). The p.R342T alteration is predicted to be tolerated by in silico analysis. Based on insufficient or conflicting evidence, the clinical significance of this alteration remains unclear.